The following is an entry in ClinVar:

NM_001430.5(EPAS1):c.526G>A (p.Val176Ile)

Genes: EPAS1 (endothelial PAS domain protein 1; plus strand), LOC126806210 (BRD4-independent group 4 enhancer GRCh37_chr2:46587586-46588785; plus strand). Cytogenetic location: 2p21.
Variant type: single nucleotide variant.
Coding change: c.526G>A on transcript NM_001430.5 (MANE Select); coding-DNA position 526, G replaced by A.
Protein change: p.Val176Ile; replaces valine 176 with isoleucine.
Molecular consequence: missense variant.
Genome position (GRCh38, 1-based): chr2:46,360,709, G>A. VCF-style: chr2-46360709-G-A. GRCh37 (hg19) VCF-style: chr2-46587848-G-A.
Other names: short protein forms V176I.
Identifiers: ClinVar variation 1746496 (VCV001746496.2), dbSNP rs2103636143, ClinGen allele CA346699282.

ClinVar aggregate classification (germline): Uncertain significance (1 of 4 stars; one submission).

Conditions:
Inborn genetic diseases. Identifiers: MedGen C0950123, MeSH D030342.

Allele frequency attached by ClinVar (database versions not stated): gnomAD exomes below 0.00001.
gnomAD v4.1: 2 of 1,614,006 alleles (0.00012%); highest among the groups gnomAD compares: Non-Finnish European, 0.00017%; no homozygotes.

Submission:

Ambry Genetics
Classification: Uncertain significance for Inborn genetic diseases. Last evaluated: 2022-09-25. Review status: criteria provided, single submitter. Criteria: Ambry Variant Classification Scheme 2023. Collection method: clinical testing. Allele origin: germline.
Comment: The p.V176I variant (also known as c.526G>A), located in coding exon 5 of the EPAS1 gene, results from a G to A substitution at nucleotide position 526. The valine at codon 176 is replaced by isoleucine, an amino acid with highly similar properties. This amino acid position is conserved. In addition, this alteration is predicted to be tolerated by in silico analysis. Since supporting evidence is limited at this time, the clinical significance of this alteration remains unclear.